The following is an entry in ClinVar:

ClinVar aggregate classification (germline): Benign/Likely benign. Review status: criteria provided, multiple submitters, no conflicts (2 of 4 stars). 3 submissions from 3 submitters: Benign (1); Likely benign (2). Last evaluated 2026-01-19.

Conditions:
Beta-D-mannosidosis (MANSB). Also called: MANNOSIDOSIS, BETA A, LYSOSOMAL; BETA-MANNOSIDASE DEFICIENCY; LYSOSOMAL BETA-MANNOSIDASE DEFICIENCY; Beta-Mannosidosis. Identifiers: Orphanet 118, MedGen C4048196, MONDO:0009562, OMIM 248510.

Allele frequency attached by ClinVar (database versions not stated): gnomAD exomes 0.00016; ExAC 0.00023; gnomAD 0.00052 and 0.00056; TOPMed 0.00055; ESP Exome Variant Server 0.00077; 1000 Genomes Project 30x 0.00078; 1000 Genomes Project 0.00080.
gnomAD v4.1: 177 of 1,613,994 alleles (0.011%); highest among the groups gnomAD compares: African/African-American, 0.18%; no homozygotes.

Submissions (3):

Labcorp Genetics (formerly Invitae), Labcorp
Classification: Benign for Beta-D-mannosidosis. Last evaluated: 2026-01-19. Review status: criteria provided, single submitter. Criteria: Invitae Variant Classification Sherloc (09022015). Collection method: clinical testing. Allele origin: germline.

Mayo Clinic Laboratories, Mayo Clinic
Classification: Likely benign. Last evaluated: 2025-03-31. Review status: criteria provided, single submitter. Criteria: ACMG Guidelines, 2015. Collection method: clinical testing. Allele origin: germline. Observed: 1 variant allele.
Comment: BS1, BP4, BP7

Blueprint Genetics
Classification: Likely benign. Last evaluated: 2022-12-08. Review status: criteria provided, single submitter. Criteria: ACMG Guidelines, 2015. Collection method: clinical testing. Allele origin: germline.

NM_005908.4(MANBA):c.2014+14C>T

Gene: MANBA (mannosidase beta; minus strand). Cytogenetic location: 4q24.
Variant type: single nucleotide variant.
Coding change: c.2014+14C>T on transcript NM_005908.4 (MANE Select); 14 bases into the intron after coding-DNA position 2014, C replaced by T.
Molecular consequence: intron variant.
Genome position (GRCh38, 1-based): chr4:102,639,699, G>A on the plus strand (C>T on the coding strand, the complement: MANBA is on the minus strand). VCF-style: chr4-102639699-G-A. GRCh37 (hg19) VCF-style: chr4-103560856-G-A.
Other names: p.?.
Identifiers: ClinVar variation 1599381 (VCV001599381.10), dbSNP rs192469727, ClinGen allele CA3026741.